The following is an entry in ClinVar:

NM_000587.4(C7):c.121G>A (p.Gly41Ser)

Gene: C7 (complement C7; plus strand). Cytogenetic location: 5p13.1.
Variant type: single nucleotide variant.
Coding change: c.121G>A on transcript NM_000587.4 (MANE Select); coding-DNA position 121, G replaced by A.
Protein change: p.Gly41Ser; replaces glycine 41 with serine.
Molecular consequence: missense variant.
Genome position (GRCh38, 1-based): chr5:40,931,122, G>A. VCF-style: chr5-40931122-G-A. GRCh37 (hg19) VCF-style: chr5-40931224-G-A.
Other names: short protein forms G41S.
Identifiers: ClinVar variation 1490766 (VCV001490766.5), dbSNP rs937654879, ClinGen allele CA117239813.

ClinVar aggregate classification (germline): Uncertain significance (1 of 4 stars; one submission).

Allele frequency attached by ClinVar (database versions not stated): TOPMed below 0.00001; gnomAD exomes 0.00001 and 0.00004.

Submission:

Labcorp Genetics (formerly Invitae), Labcorp
Classification: Uncertain significance. Last evaluated: 2021-08-26. Review status: criteria provided, single submitter. Criteria: Invitae Variant Classification Sherloc (09022015). Collection method: clinical testing. Allele origin: germline.
Comment: This sequence change replaces glycine with serine at codon 41 of the C7 protein (p.Gly41Ser). The glycine residue is highly conserved and there is a small physicochemical difference between glycine and serine. This variant is not present in population databases (ExAC no frequency). This variant has not been reported in the literature in individuals affected with C7-related conditions. Algorithms developed to predict the effect of missense changes on protein structure and function are either unavailable or do not agree on the potential impact of this missense change (SIFT: "Tolerated"; PolyPhen-2: "Probably Damaging"; Align-GVGD: "Class C0"). In summary, the available evidence is currently insufficient to determine the role of this variant in disease. Therefore, it has been classified as a Variant of Uncertain Significance.